The following is an entry in ClinVar:

NM_006231.4(POLE):c.1624_1625del (p.Gly542fs)

Gene: POLE (DNA polymerase epsilon, catalytic subunit; minus strand). Cytogenetic location: 12q24.33.
Variant type: Deletion.
Coding change: c.1624_1625del on transcript NM_006231.4 (MANE Select); coding-DNA positions 1624 to 1625, 2 bases deleted (GG; older notation c.1624_1625delGG).
Protein change: p.Gly542fs; shifts the reading frame from glycine 542.
Molecular consequence: frameshift variant.
Genome position (GRCh38, 1-based): chr12:132,672,688-132,672,689, CC deleted on the plus strand (GG on the coding strand, the reverse complement: POLE is on the minus strand); deleting any 2 consecutive bases within chr12:132,672,688-132,672,692 gives the same sequence; the c. name uses the placement nearest the transcript's 3' end. VCF-style (leftmost placement, unchanged base first): chr12-132672687-GCC-G. GRCh37 (hg19) VCF-style: chr12-133249273-GCC-G.
Other names: short protein forms G542fs.
Identifiers: ClinVar variation 1448674 (VCV001448674.6), dbSNP rs1565971583, ClinGen allele CA2573148294.

ClinVar aggregate classification (germline): Pathogenic (1 of 4 stars; one submission).

Submission:

Labcorp Genetics (formerly Invitae), Labcorp
Classification: Pathogenic. Last evaluated: 2022-05-12. Review status: criteria provided, single submitter. Criteria: Invitae Variant Classification Sherloc (09022015). Collection method: clinical testing. Allele origin: germline.
Comment: For these reasons, this variant has been classified as Pathogenic. This variant has not been reported in the literature in individuals affected with POLE-related conditions. This variant is not present in population databases (gnomAD no frequency). This sequence change creates a premature translational stop signal (p.Gly542Profs*19) in the POLE gene. It is expected to result in an absent or disrupted protein product. Loss-of-function variants in POLE are known to be pathogenic (PMID: 23230001, 25948378, 30503519).

Literature cited by the submitters: PubMed 23230001; PubMed 25948378; PubMed 30503519.